The following is an entry in ClinVar:

NM_000540.3(RYR1):c.9685+16C>T

Gene: RYR1 (ryanodine receptor 1; plus strand). Cytogenetic location: 19q13.2.
Variant type: single nucleotide variant.
Coding change: c.9685+16C>T on transcript NM_000540.3 (MANE Select); 16 bases into the intron after coding-DNA position 9685, C replaced by T.
Molecular consequence: intron variant.
Genome position (GRCh38, 1-based): chr19:38,516,233, C>T. VCF-style: chr19-38516233-C-T. GRCh37 (hg19) VCF-style: chr19-39006873-C-T.
Other names: c.9685+16C>T (NM_001042723.2).
Identifiers: ClinVar variation 198351 (VCV000198351.25), dbSNP rs45496799, ClinGen allele CA024995.

ClinVar aggregate classification (germline): Conflicting classifications of pathogenicity. Review status: criteria provided, conflicting classifications (1 of 4 stars). 6 submissions from 6 submitters: Uncertain significance (1); Benign (2); Likely benign (3). Last evaluated 2026-02-03.

Conditions:
RYR1-related disorder. Also called: RYR1-related condition; RYR1-related disorders. Identifiers: MedGen CN239331.

Allele frequency attached by ClinVar (database versions not stated): 1000 Genomes Project 0.00180; 1000 Genomes Project 30x 0.00250; gnomAD exomes 0.00278; TOPMed 0.00287; gnomAD 0.00309 and 0.00312; ESP Exome Variant Server 0.00441; ExAC 0.00598.
gnomAD v4.1: 7,939 of 1,582,656 alleles (0.5%); highest among the groups gnomAD compares: Non-Finnish European, 0.63%; 30 homozygotes.

Submissions (6):

Labcorp Genetics (formerly Invitae), Labcorp
Classification: Benign for RYR1-related disorder. Last evaluated: 2026-02-03. Review status: criteria provided, single submitter. Criteria: Invitae Variant Classification Sherloc (09022015). Collection method: clinical testing. Allele origin: germline.

Blueprint Genetics
Classification: Likely benign. Last evaluated: 2024-11-18. Review status: criteria provided, single submitter. Criteria: ACMG Guidelines, 2015. Collection method: clinical testing. Allele origin: germline.

ARUP Laboratories, Molecular Genetics and Genomics, ARUP Laboratories
Classification: Likely benign. Last evaluated: 2024-02-29. Review status: criteria provided, single submitter. Criteria: ARUP Molecular Germline Variant Investigation Process 2024. Collection method: clinical testing. Allele origin: germline.

GeneDx
Classification: Likely benign. Last evaluated: 2017-12-13. Review status: criteria provided, single submitter. Criteria: GeneDx Variant Classification (06012015). Collection method: clinical testing. Allele origin: germline. Affected: yes.
Comment: This variant is considered likely benign or benign based on one or more of the following criteria: it is a conservative change, it occurs at a poorly conserved position in the protein, it is predicted to be benign by multiple in silico algorithms, and/or has population frequency not consistent with disease.

PreventionGenetics, part of Exact Sciences
Classification: Benign. Last evaluated: 2017-10-09. Review status: criteria provided, single submitter. Criteria: ACMG Guidelines, 2015. Collection method: clinical testing. Allele origin: germline.

Eurofins Ntd Llc (ga)
Classification: Uncertain significance. Last evaluated: 2014-06-06. Review status: criteria provided, single submitter. Criteria: EGL Classification Definitions 2015. Collection method: clinical testing. Allele origin: germline. Observed: 1 variant allele, 1 heterozygote.